The following is an entry in ClinVar:

ClinVar aggregate classification (germline): Benign/Likely benign. Review status: criteria provided, multiple submitters, no conflicts (2 of 4 stars). 4 submissions from 4 submitters: Benign (3); Likely benign (1). Last evaluated 2026-02-04.

Conditions:
Joubert syndrome 21 (JBTS21). Identifiers: MedGen C3810212, MONDO:0014288, OMIM 615636.

Allele frequency attached by ClinVar (database versions not stated): gnomAD exomes 0.04480 and 0.07456; ExAC 0.07856; ESP Exome Variant Server 0.11533; gnomAD 0.12862 and 0.13329; TOPMed 0.13234; 1000 Genomes Project 0.14896; 1000 Genomes Project 30x 0.15615.
gnomAD v4.1: 83,848 of 1,573,286 alleles (5.3%); highest among the groups gnomAD compares: African/African-American, 33%; 5,740 homozygotes.

Submissions (4):

Labcorp Genetics (formerly Invitae), Labcorp
Classification: Benign for Joubert syndrome 21. Last evaluated: 2026-02-04. Review status: criteria provided, single submitter. Criteria: Invitae Variant Classification Sherloc (09022015). Collection method: clinical testing. Allele origin: germline.

Blueprint Genetics
Classification: Likely benign. Last evaluated: 2024-11-27. Review status: criteria provided, single submitter. Criteria: ACMG Guidelines, 2015. Collection method: clinical testing. Allele origin: germline.

GeneDx
Classification: Benign. Last evaluated: 2016-03-11. Review status: criteria provided, single submitter. Criteria: GeneDx Variant Classification (06012015). Collection method: clinical testing. Allele origin: germline. Affected: yes.
Comment: This variant is considered likely benign or benign based on one or more of the following criteria: it is a conservative change, it occurs at a poorly conserved position in the protein, it is predicted to be benign by multiple in silico algorithms, and/or has population frequency not consistent with disease.

Breakthrough Genomics
Classification: Benign. Review status: criteria provided, single submitter. Criteria: ACMG Guidelines, 2015. Collection method: not provided. Allele origin: germline. Inheritance: Autosomal recessive inheritance. Affected: yes.

NM_001382391.1(CSPP1):c.2392-17C>T

Gene: CSPP1 (centrosome and spindle pole associated protein 1; plus strand). Cytogenetic location: 8q13.2.
Variant type: single nucleotide variant.
Coding change: c.2392-17C>T on transcript NM_001382391.1 (MANE Select); 17 bases into the intron before coding-DNA position 2392, C replaced by T.
Molecular consequence: intron variant.
Genome position (GRCh38, 1-based): chr8:67,158,974, C>T. VCF-style: chr8-67158974-C-T. GRCh37 (hg19) VCF-style: chr8-68071209-C-T.
Other names: c.2197-17C>T (NM_001363132.2); c.2311-17C>T (NM_001363131.2); c.2116-17C>T (NM_001363133.2); c.2458-17C>T (NM_001364869.1); c.2377-17C>T (NM_024790.7, NM_001438331.1); c.2224-17C>T (NM_001438330.1); c.2278-17C>T (NM_001364870.1); c.1693-17C>T (NM_001438332.1); and 1 more.
Identifiers: ClinVar variation 379387 (VCV000379387.12), dbSNP rs58448590, ClinGen allele CA4770832.